The following is an entry in ClinVar:

ClinVar aggregate classification (germline): Uncertain significance. Review status: criteria provided, multiple submitters, no conflicts (2 of 4 stars). 3 submissions from 3 submitters: Uncertain significance (3). Last evaluated 2026-01-27.

Conditions:
Inborn genetic diseases. Identifiers: MedGen C0950123, MeSH D030342.

Allele frequency attached by ClinVar (database versions not stated): ESP Exome Variant Server 0.00008; ExAC 0.00001; gnomAD exomes 0.00001 and 0.00002; gnomAD 0.00005; TOPMed 0.00005.
gnomAD v4.1: 27 of 1,599,068 alleles (0.0017%); highest among the groups gnomAD compares: African/African-American, 0.0054%; no homozygotes.

Submissions (3):

Labcorp Genetics (formerly Invitae), Labcorp
Classification: Uncertain significance. Last evaluated: 2026-01-27. Review status: criteria provided, single submitter. Criteria: Invitae Variant Classification Sherloc (09022015). Collection method: clinical testing. Allele origin: germline.
Comment: This sequence change replaces arginine, which is basic and polar, with tryptophan, which is neutral and slightly polar, at codon 351 of the COL9A3 protein (p.Arg351Trp). This variant is present in population databases (rs375222744, gnomAD 0.004%). This variant has not been reported in the literature in individuals affected with COL9A3-related conditions. ClinVar contains an entry for this variant (Variation ID: 452019). An algorithm developed to predict the effect of missense changes on protein structure and function (PolyPhen-2) suggests that this variant is likely to be disruptive. In summary, the available evidence is currently insufficient to determine the role of this variant in disease. Therefore, it has been classified as a Variant of Uncertain Significance.

Ambry Genetics
Classification: Uncertain significance for Inborn genetic diseases. Last evaluated: 2024-09-04. Review status: criteria provided, single submitter. Criteria: Ambry Variant Classification Scheme 2023. Collection method: clinical testing. Allele origin: germline.

GeneDx
Classification: Uncertain significance. Last evaluated: 2024-04-10. Review status: criteria provided, single submitter. Criteria: GeneDx Variant Classification Process June 2021. Collection method: clinical testing. Allele origin: germline. Affected: yes.
Comment: Has not been previously published as pathogenic or benign to our knowledge; In silico analysis supports that this missense variant has a deleterious effect on protein structure/function

NM_001853.4(COL9A3):c.1051C>T (p.Arg351Trp)

Gene: COL9A3 (collagen type IX alpha 3 chain; plus strand). Cytogenetic location: 20q13.33.
Variant type: single nucleotide variant.
Coding change: c.1051C>T on transcript NM_001853.4 (MANE Select); coding-DNA position 1051, C replaced by T.
Protein change: p.Arg351Trp; replaces arginine 351 with tryptophan.
Molecular consequence: missense variant.
Genome position (GRCh38, 1-based): chr20:62,829,497, C>T. VCF-style: chr20-62829497-C-T. GRCh37 (hg19) VCF-style: chr20-61460849-C-T.
Other names: c.1051C>T, p.Arg351Trp (LRG_1253t1); short protein forms R351W.
Identifiers: ClinVar variation 452019 (VCV000452019.10), dbSNP rs375222744, ClinGen allele CA9949705.
Genomic context (GRCh38, chr20:62,829,497, plus strand): 5'-CAAGCTCTCTCCTGGCAGGGCCTCCCTGGACGAGCGGGGTCCAAAGGCGAGAAGGGAGAA[C>T]GGGTATGTGGCTGCAGCCGCTTTCTCTCTGGGAGGGGAGGCGAGGGGCCGGGAGGCAAGG-3'
Protein context (NP_001844.3, residues 341-361): RAGSKGEKGE[Arg351Trp]GRAGELGEAG